The following is an entry in ClinVar:

NM_001099403.2(PRDM8):c.1646T>G (p.Leu549Arg)

Gene: PRDM8 (PR/SET domain 8; plus strand). Cytogenetic location: 4q21.21.
Variant type: single nucleotide variant.
Coding change: c.1646T>G on transcript NM_001099403.2 (MANE Select); coding-DNA position 1646, T replaced by G.
Protein change: p.Leu549Arg; replaces leucine 549 with arginine.
Molecular consequence: missense variant.
Genome position (GRCh38, 1-based): chr4:80,203,108, T>G. VCF-style: chr4-80203108-T-G. GRCh37 (hg19) VCF-style: chr4-81124262-T-G.
Other names: c.1646T>G, p.Leu549Arg (NM_020226.4); short protein forms L549R.
Identifiers: ClinVar variation 1008275 (VCV001008275.8), dbSNP rs1414709299, ClinGen allele CA357401899.
Genomic context (GRCh38, chr4:80,203,108, plus strand): 5'-CCGACGGCGTGGGCCCCACCAGACTCTATCCCGCCGCCGCGGACCCTCTAGCGGTGAAGC[T>G]CCAGGGGGCCGCGGACCTGAACGGAGGTTGCGGGTCCCTGCCGAGCGGCGGCGGCGGCCT-3'
Protein context (NP_001092873.1, residues 539-559): PAAADPLAVK[Leu549Arg]QGAADLNGGC

ClinVar aggregate classification (germline): Uncertain significance (1 of 4 stars; one submission).

Conditions:
Early-onset Lafora body disease. Also called: Epilepsy, progressive myoclonic, 10. Identifiers: Orphanet 324290, MedGen C4225258, MONDO:0014717, OMIM 616640.

Allele frequency attached by ClinVar (database versions not stated): TOPMed below 0.00001.

Submission:

Labcorp Genetics (formerly Invitae), Labcorp
Classification: Uncertain significance for Early-onset Lafora body disease. Last evaluated: 2024-10-15. Review status: criteria provided, single submitter. Criteria: Invitae Variant Classification Sherloc (09022015). Collection method: clinical testing. Allele origin: germline.
Comment: This sequence change replaces leucine, which is neutral and non-polar, with arginine, which is basic and polar, at codon 549 of the PRDM8 protein (p.Leu549Arg). This variant is not present in population databases (gnomAD no frequency). This variant has not been reported in the literature in individuals affected with PRDM8-related conditions. ClinVar contains an entry for this variant (Variation ID: 1008275). Invitae Evidence Modeling of protein sequence and biophysical properties (such as structural, functional, and spatial information, amino acid conservation, physicochemical variation, residue mobility, and thermodynamic stability) indicates that this missense variant is not expected to disrupt PRDM8 protein function with a negative predictive value of 80%. In summary, the available evidence is currently insufficient to determine the role of this variant in disease. Therefore, it has been classified as a Variant of Uncertain Significance.